The following is an entry in ClinVar:

NM_000388.4(CASR):c.2299G>C (p.Glu767Gln)

Gene: CASR (calcium sensing receptor; plus strand). Cytogenetic location: 3q21.1.
Variant type: single nucleotide variant.
Coding change: c.2299G>C on transcript NM_000388.4 (MANE Select); coding-DNA position 2299, G replaced by C.
Protein change: p.Glu767Gln; replaces glutamic acid 767 with glutamine.
Molecular consequence: missense variant.
Genome position (GRCh38, 1-based): chr3:122,284,253, G>C. VCF-style: chr3-122284253-G-C. GRCh37 (hg19) VCF-style: chr3-122003100-G-C.
Other names: c.2329G>C, p.Glu777Gln (NM_001178065.2); short protein forms E767Q, E777Q.
Identifiers: ClinVar variation 2498038 (VCV002498038.1), dbSNP rs2074935748, ClinGen allele CA354159397.

ClinVar aggregate classification (germline): Pathogenic (1 of 4 stars; one submission).

Submission:

GeneDx
Classification: Pathogenic. Last evaluated: 2022-10-06. Review status: criteria provided, single submitter. Criteria: GeneDx Variant Classification Process June 2021. Collection method: clinical testing. Allele origin: germline. Affected: yes.
Comment: Identified in patients with features of CASR-related hypocalcemia in published literature (Letz et al., 2010; Taylor et al., 2015); Published functional studies demonstrate p.(E767) causes increased sensitivity to calcium, consistent with a gain of function effect (Letz et al., 2010); Not observed at significant frequency in large population cohorts (gnomAD); This variant is associated with the following publications: (PMID: 20668040, 24854525, 22422767, 25985138, 21645025)